The following is an entry in ClinVar:

NM_024685.4(BBS10):c.942A>G (p.Lys314=)

Gene: BBS10 (Bardet-Biedl syndrome 10; minus strand). Cytogenetic location: 12q21.2.
Variant type: single nucleotide variant.
Coding change: c.942A>G on transcript NM_024685.4 (MANE Select); coding-DNA position 942, A replaced by G.
Protein change: p.Lys314=; no amino-acid change (lysine 314 retained).
Molecular consequence: synonymous variant.
Genome position (GRCh38, 1-based): chr12:76,347,043, T>C on the plus strand (A>G on the coding strand, the complement: BBS10 is on the minus strand). VCF-style: chr12-76347043-T-C. GRCh37 (hg19) VCF-style: chr12-76740823-T-C.
Other names: c.942A>G (NM_024685.3).
Identifiers: ClinVar variation 1536117 (VCV001536117.9), dbSNP rs748249273, ClinGen allele CA6694262.

ClinVar aggregate classification (germline): Likely benign. Review status: criteria provided, single submitter (1 of 4 stars). 2 submissions from 2 submitters: Likely benign (1). 1 of the submissions does not count toward it. Last evaluated 2023-02-14.

Conditions:
Bardet-Biedl syndrome (BBS). Identifiers: Orphanet 110, MedGen C0752166, MONDO:0015229.
BBS10-related disorder. Also called: BBS10-related condition.

Allele frequency attached by ClinVar (database versions not stated): gnomAD exomes below 0.00001 and 0.00001; ExAC 0.00001; gnomAD 0.00001; TOPMed 0.00001.
gnomAD v4.1: 11 of 1,613,056 alleles (0.00068%); highest among the groups gnomAD compares: African/African-American, 0.0013%; no homozygotes.

Submissions (2):

Labcorp Genetics (formerly Invitae), Labcorp
Classification: Likely benign for Bardet-Biedl syndrome. Last evaluated: 2023-02-14. Review status: criteria provided, single submitter. Criteria: Invitae Variant Classification Sherloc (09022015). Collection method: clinical testing. Allele origin: germline.

PreventionGenetics, part of Exact Sciences
Classification: Likely benign for BBS10-related condition. Last evaluated: 2024-05-30. Review status: no assertion criteria provided. Collection method: clinical testing. Allele origin: germline. Not counted in ClinVar's aggregate classification.
Comment: This variant is classified as likely benign based on ACMG/AMP sequence variant interpretation guidelines (Richards et al. 2015 PMID: 25741868, with internal and published modifications).